The following is an entry in ClinVar:

NM_144997.7(FLCN):c.1241G>C (p.Arg414Pro)

Gene: FLCN (folliculin; minus strand). Cytogenetic location: 17p11.2.
Variant type: single nucleotide variant.
Coding change: c.1241G>C on transcript NM_144997.7 (MANE Select); coding-DNA position 1241, G replaced by C.
Protein change: p.Arg414Pro; replaces arginine 414 with proline.
Molecular consequence: missense variant.
Genome position (GRCh38, 1-based): chr17:17,216,439, C>G on the plus strand (G>C on the coding strand, the complement: FLCN is on the minus strand). VCF-style: chr17-17216439-C-G. GRCh37 (hg19) VCF-style: chr17-17119753-C-G.
Other names: c.1295G>C, p.Arg432Pro (NM_001353229.2); c.1241G>C, p.Arg414Pro (NM_001353230.2, NM_001353231.2); short protein forms R414P, R432P.
Identifiers: ClinVar variation 1758472 (VCV001758472.2), dbSNP rs1363880753, ClinGen allele CA398531780.

ClinVar aggregate classification (germline): Uncertain significance (1 of 4 stars; one submission).

Conditions:
Hereditary cancer-predisposing syndrome. Also called: Neoplastic Syndromes, Hereditary; Tumor predisposition; Hereditary Cancer Syndrome; Hereditary neoplastic syndrome. Identifiers: Orphanet 140162, MedGen C0027672, MeSH D009386, MONDO:0015356.

Submission:

Ambry Genetics
Classification: Uncertain significance for Hereditary cancer-predisposing syndrome. Last evaluated: 2020-03-23. Review status: criteria provided, single submitter. Criteria: Ambry Variant Classification Scheme 2023. Collection method: clinical testing. Allele origin: germline.
Comment: The p.R414P variant (also known as c.1241G>C), located in coding exon 8 of the FLCN gene, results from a G to C substitution at nucleotide position 1241. The arginine at codon 414 is replaced by proline, an amino acid with dissimilar properties. This amino acid position is well conserved in available vertebrate species. In addition, this alteration is predicted to be deleterious by in silico analysis. Since supporting evidence is limited at this time, the clinical significance of this alteration remains unclear.